The following is an entry in ClinVar:

ClinVar aggregate classification (germline): Uncertain significance. Review status: criteria provided, multiple submitters, no conflicts (2 of 4 stars). 15 submissions from 15 submitters: Uncertain significance (14). 1 of the submissions does not count toward it. Last evaluated 2026-01-21.

Conditions:
ATM-related disorder. Also called: ATM-related disorders; ATM-related condition.
ATM-related cancer predisposition. Also called: ATM-related cancer susceptibility. Identifiers: MedGen CN377759, MONDO:0700270.
Hereditary cancer-predisposing syndrome. Also called: Neoplastic Syndromes, Hereditary; Hereditary neoplastic syndrome; Tumor predisposition; Hereditary Cancer Syndrome. Identifiers: Orphanet 140162, MedGen C0027672, MeSH D009386, MONDO:0015356.
Familial cancer of breast. Also called: hereditary breast carcinoma; Hereditary breast cancer; BREAST CANCER, FAMILIAL. Identifiers: Orphanet 227535, MedGen C0346153, MONDO:0016419, OMIM 114480. Disease mechanism: loss of function.
Ataxia-telangiectasia syndrome (AT). Also called: Ataxia telangiectasia (A-T); Cerebello-oculocutaneous telangiectasia; Immunodeficiency with ataxia telangiectasia; LOUIS-BAR SYNDROME; AT, COMPLEMENTATION GROUP C; ATAXIA-TELANGIECTASIA, FRESNO VARIANT. Identifiers: Orphanet 100, MedGen C0004135, MONDO:0008840, OMIM 208900.

Allele frequency attached by ClinVar (database versions not stated): gnomAD exomes 0.00003 and 0.00001; gnomAD 0.00013 and 0.00015; ExAC 0.00003; ESP Exome Variant Server 0.00008; TOPMed 0.00010.
gnomAD v4.1: 39 of 1,613,872 alleles (0.0024%); highest among the groups gnomAD compares: African/African-American, 0.049%; no homozygotes.

Submissions (15):

PreventionGenetics, part of Exact Sciences
Classification: Uncertain significance for ATM-related condition. Last evaluated: 2026-01-21. Review status: criteria provided, single submitter. Criteria: ACMG Guidelines, 2015. Collection method: clinical testing. Allele origin: germline.
Comment: The ATM c.7244C>G variant is predicted to result in the amino acid substitution p.Ala2415Gly. This variant has been reported as uncertain significance in a clinical variant interpretation study (Table S1, Mighton et al. 2022. PubMed ID: 33875564). This variant is reported in 0.044% of alleles in individuals of African descent in gnomAD and has been interpreted as a variant of uncertain significance in ClinVar (Variation ID: 236768). At this time, the clinical significance of this variant is uncertain due to the absence of conclusive functional and genetic evidence.

Labcorp Genetics (formerly Invitae), Labcorp
Classification: Uncertain significance for Ataxia-telangiectasia syndrome. Last evaluated: 2026-01-18. Review status: criteria provided, single submitter. Criteria: Invitae Variant Classification Sherloc (09022015). Collection method: clinical testing. Allele origin: germline.
Comment: This sequence change replaces alanine, which is neutral and non-polar, with glycine, which is neutral and non-polar, at codon 2415 of the ATM protein (p.Ala2415Gly). This variant is present in population databases (rs370567994, gnomAD 0.05%). This variant has not been reported in the literature in individuals affected with ATM-related conditions. ClinVar contains an entry for this variant (Variation ID: 236768). Invitae Evidence Modeling of protein sequence and biophysical properties (such as structural, functional, and spatial information, amino acid conservation, physicochemical variation, residue mobility, and thermodynamic stability) indicates that this missense variant is not expected to disrupt ATM protein function with a negative predictive value of 95%. RNA analysis performed to evaluate the impact of this missense change on mRNA splicing indicates it does not significantly alter splicing (internal data). In summary, the available evidence is currently insufficient to determine the role of this variant in disease. Therefore, it has been classified as a Variant of Uncertain Significance.

St. Jude Molecular Pathology, St. Jude Children's Research Hospital
Classification: Uncertain significance for Ataxia-telangiectasia syndrome. Last evaluated: 2025-06-17. Review status: criteria provided, single submitter. Criteria: St. Jude Assertion Criteria 2020. Collection method: clinical testing. Allele origin: germline.
Comment: The ATM c.7244C>G (p.Ala2415Gly) missense change has a maximum subpopulation frequency of 0.04% in gnomAD v2.1.1. The in silico tool REVEL is inconclusive about a pathogenic or benign effect of this variant on protein function, and to our knowledge functional studies have not been performed. To our knowledge, this variant has not been reported in individuals with ataxia telangiectasia. In summary, the evidence currently available is insufficient to determine the clinical significance of this variant. It has therefore been classified as of uncertain significance.

Ambry Genetics
Classification: Uncertain significance for Hereditary cancer-predisposing syndrome. Last evaluated: 2025-05-06. Review status: criteria provided, single submitter. Criteria: Ambry Variant Classification Scheme 2023. Collection method: clinical testing. Allele origin: germline.
Comment: The p.A2415G variant (also known as c.7244C>G), located in coding exon 48 of the ATM gene, results from a C to G substitution at nucleotide position 7244. The alanine at codon 2415 is replaced by glycine, an amino acid with similar properties. This amino acid position is well conserved in available vertebrate species. In addition, the in silico prediction for this alteration is inconclusive. Based on the available evidence, the clinical significance of this variant remains unclear.

Quest Diagnostics Nichols Institute San Juan Capistrano
Classification: Uncertain significance. Last evaluated: 2025-04-15. Review status: criteria provided, single submitter. Criteria: Quest Diagnostics criteria. Collection method: clinical testing. Allele origin: unknown.

Color Diagnostics, LLC DBA Color Health
Classification: Uncertain significance for Hereditary cancer-predisposing syndrome. Last evaluated: 2025-03-17. Review status: criteria provided, single submitter. Criteria: ACMG Guidelines, 2015. Collection method: clinical testing. Allele origin: germline.
Comment: This missense variant replaces alanine with glycine at codon 2415 of the ATM protein. Computational prediction suggests that this variant may not impact protein structure and function. To our knowledge, functional studies have not been reported for this variant. This variant has not been reported in individuals affected with hereditary cancer in the literature. This variant has been identified in 12/282516 chromosomes in the general population by the Genome Aggregation Database (gnomAD). The available evidence is insufficient to determine the role of this variant in disease conclusively. Therefore, this variant is classified as a Variant of Uncertain Significance.

GeneDx
Classification: Uncertain significance. Last evaluated: 2025-02-02. Review status: criteria provided, single submitter. Criteria: GeneDx Variant Classification Process June 2021. Collection method: clinical testing. Allele origin: germline. Affected: yes.
Comment: In silico analysis indicates that this missense variant does not alter protein structure/function; Has not been previously published as pathogenic or benign to our knowledge; This variant is associated with the following publications: (PMID: 23532176)

Department of Pathology and Laboratory Medicine, Sinai Health System
Classification: Uncertain significance for ATM-related cancer predisposition. Last evaluated: 2024-11-18. Review status: criteria provided, single submitter. Criteria: ACMG Guidelines, 2015. Collection method: clinical testing. Allele origin: germline.

Baylor Genetics
Classification: Uncertain significance for Familial cancer of breast. Last evaluated: 2024-02-26. Review status: criteria provided, single submitter. Criteria: ACMG Guidelines, 2015. Collection method: clinical testing. Allele origin: unknown.

Fulgent Genetics
Classification: Uncertain significance for Familial cancer of breast; Ataxia-telangiectasia syndrome. Last evaluated: 2024-02-12. Review status: criteria provided, single submitter. Criteria: ACMG Guidelines, 2015. Collection method: clinical testing. Allele origin: germline.

Athena Diagnostics
Classification: Uncertain significance. Last evaluated: 2023-10-17. Review status: criteria provided, single submitter. Criteria: Athena Diagnostics Criteria. Collection method: clinical testing. Allele origin: unknown.

Sema4
Classification: Uncertain significance for Hereditary cancer-predisposing syndrome. Last evaluated: 2022-01-27. Review status: criteria provided, single submitter. Criteria: Sema4 Curation Guidelines. Collection method: curation. Allele origin: germline.
Comment: The ATM c.7244C>G (p.A2415G) variant has not been reported in the literature to our knowledge. It was observed in 11/24962 chromosomes of the African/African American population according to the Genome Aggregation Database (PMID: 32461654). This variant has been reported in ClinVar (Variation ID 236768). Functional studies have not been performed, and in silico predictions of the variant's effect on protein function are inconclusive. The overall evidence is inconsistent with ACMG/AMP requirements for a classification of benign or pathogenic. In summary, the clinical significance of this variant is currently uncertain.

Genetic Services Laboratory, University of Chicago
Classification: Uncertain significance. Last evaluated: 2022-01-03. Review status: criteria provided, single submitter. Criteria: ACMG Guidelines, 2015. Collection method: clinical testing. Allele origin: germline. Affected: no.
Comment: DNA sequence analysis of the ATM gene demonstrated a sequence change, c.7244C>G, in exon 49 that results in an amino acid change, p.Ala2415Gly. This sequence change has been described in the gnomAD database with a frequency of 0.044% in the African/African American subpopulation (dbSNP rs370567994).The p.Ala2415Gly change affects a moderately conserved amino acid residue located in a domain of the ATM protein that is known to be functional. In-silico pathogenicity prediction tools (SIFT, PolyPhen2, Align GVGD, REVEL) provide contradictory results for the p.Ala2415Gly substitution. This sequence change does not appear to have been previously described in individuals with ATM-related disorders. Due to insufficient evidences and the lack of functional studies, the clinical significance of the p.Ala2415Gly change remains unknown at this time.

Women's Health and Genetics/Laboratory Corporation of America, LabCorp
Classification: Uncertain significance. Last evaluated: 2019-02-22. Review status: criteria provided, single submitter. Criteria: LabCorp Variant Classification Summary - May 2015. Collection method: clinical testing. Allele origin: germline.
Comment: Variant summary: ATM c.7244C>G (p.Ala2415Gly) results in a non-conservative amino acid change located in the FAT domain (IPR003151) of the encoded protein sequence. Three of five in-silico tools predict a damaging effect of the variant on protein function. The variant allele was found at a frequency of 4.3e-05 in 276876 control chromosomes, predominantly within the African subpopulation at a frequency of 0.00046 in the gnomAD database. This frequency is somewhat lower than the expected maximum allele frequency for a pathogenic variant in ATM causing Breast Cancer (0.00046 vs. 0.001), allowing no conclusion about variant significance. To our knowledge, no occurrence of c.7244C>G in individuals affected with Breast Cancer and no experimental evidence demonstrating its impact on protein function have been reported. Four clinical diagnostic laboratories have submitted clinical-significance assessments for this variant to ClinVar after 2014 without evidence for independent evaluation. All laboratories classified the variant as uncertain significance. Based on the evidence outlined above, the variant was classified as uncertain significance.

Natera, Inc.
Classification: Uncertain significance for Ataxia-telangiectasia. Last evaluated: 2020-09-16. Review status: no assertion criteria provided. Collection method: clinical testing. Allele origin: germline. Not counted in ClinVar's aggregate classification.

Literature cited by the submitters: PubMed 28569743 (cited by Athena Diagnostics).

NM_000051.4(ATM):c.7244C>G (p.Ala2415Gly)

Genes: ATM (ATM serine/threonine kinase; plus strand), C11orf65 (chromosome 11 open reading frame 65; minus strand). Cytogenetic location: 11q22.3.
Variant type: single nucleotide variant.
Coding change: c.7244C>G on transcript NM_000051.4 (MANE Select); coding-DNA position 7244, C replaced by G.
Protein change: p.Ala2415Gly; replaces alanine 2415 with glycine.
Molecular consequence: missense variant. On other transcripts: intron variant (2).
Genome position (GRCh38, 1-based): chr11:108,329,175, C>G. VCF-style: chr11-108329175-C-G. GRCh37 (hg19) VCF-style: chr11-108199902-C-G.
Other names: c.7244C>G (NM_000051.1); c.7244C>G, p.Ala2415Gly (NM_001351834.2); c.641-20104G>C (NM_001330368.2); c.*38+6045G>C (NM_001351110.2); short protein forms A2415G.
Identifiers: ClinVar variation 236768 (VCV000236768.39), dbSNP rs370567994, ClinGen allele CA6266085.